The following is an entry in ClinVar:

ClinVar aggregate classification (germline): Pathogenic/Likely pathogenic. Review status: criteria provided, multiple submitters, no conflicts (2 of 4 stars). 6 submissions from 6 submitters: Pathogenic (3); Likely pathogenic (3). Last evaluated 2025-07-23.

Conditions:
Stargardt disease 3. Also called: MACULAR DYSTROPHY WITH FLECKS, TYPE 3; STARGARDT-LIKE MACULAR DYSTROPHY, AUTOSOMAL DOMINANT. Identifiers: Orphanet 827, MedGen C1838644, MONDO:0010819, OMIM 600110.
Ichthyosis, spastic quadriplegia, and impaired intellectual development. Also called: Congenital ichthyosis-intellectual disability-spastic quadriplegia syndrome. Identifiers: Orphanet 352333, MedGen C3280856, MONDO:0013760, OMIM 614457.
Spinocerebellar ataxia type 34 (SCA34). Identifiers: Orphanet 1955, MedGen C1851481, MONDO:0007574, OMIM 133190.
ELOVL4-related disorder. Also called: ELOVL4-related disorders; ELOVL4-related condition.

Submissions (6):

Equipe Genetique des Anomalies du Developpement, Université de Bourgogne
Classification: Pathogenic for Spinocerebellar ataxia type 34. Last evaluated: 2025-07-23. Review status: criteria provided, single submitter. Criteria: ACMG Guidelines, 2015. Collection method: clinical testing. Allele origin: germline. Affected: yes.
Comment: This is a missense, heterozygous variant NM_022726.4:c.512T>C p.(Ile171Thr) in the gene ELOVL4. This variant is absent from the database gnomAD (v4.1.0). In silico prediction scores are discordant regarding a deleterious effect. The affected amino acid is conserved and located within a functional protein domain (ELO). This variant has been reported as pathogenic/likely pathogenic in ClinVar (2*) and in LOVD. Pathogenic variants in ELOVL4 are responsible for several phenotypes, including spinocerebellar ataxia type 34 with autosomal dominant inheritance (OMIM #133190). This variant has been described in the literature in a family in which affected individuals presented with slowly progressive cerebellar ataxia, with onset between 38 and 57 years. In some family members, pigmentary retinopathy, ocular movement abnormalities, and pyramidal signs were also reported (PMID: 31750392). According to current evidence, this variant is considered pathogenic (class 5, according to ACMG criteria).

GeneDx
Classification: Likely pathogenic. Last evaluated: 2025-05-07. Review status: criteria provided, single submitter. Criteria: GeneDx Variant Classification Process June 2021. Collection method: clinical testing. Allele origin: germline. Affected: yes.
Comment: Not observed at significant frequency in large population cohorts (gnomAD); In silico analysis supports that this missense variant has a deleterious effect on protein structure/function; This variant is associated with the following publications: (PMID: 32780351, 33655653, 33816655, 31692161, 28559085, 29915382, 34689836, 34227061, 31750392, 34839010, 33556440, 36464075, 36696030, 36339301, 36748939, 37199746, 38850484, 39104105)

Labcorp Genetics (formerly Invitae), Labcorp
Classification: Pathogenic. Last evaluated: 2025-03-31. Review status: criteria provided, single submitter. Criteria: Invitae Variant Classification Sherloc (09022015). Collection method: clinical testing. Allele origin: germline.
Comment: This sequence change replaces isoleucine, which is neutral and non-polar, with threonine, which is neutral and polar, at codon 171 of the ELOVL4 protein (p.Ile171Thr). This variant is not present in population databases (gnomAD no frequency). This missense change has been observed in individual(s) with autosomal dominant spinocerebellar ataxia and retinal disease (PMID: 28559085, 31692161, 31750392). It has also been observed to segregate with disease in related individuals. ClinVar contains an entry for this variant (Variation ID: 435057). Invitae Evidence Modeling of protein sequence and biophysical properties (such as structural, functional, and spatial information, amino acid conservation, physicochemical variation, residue mobility, and thermodynamic stability) indicates that this missense variant is not expected to disrupt ELOVL4 protein function with a negative predictive value of 80%. For these reasons, this variant has been classified as Pathogenic.

Fulgent Genetics
Classification: Likely pathogenic for Spinocerebellar ataxia type 34; Stargardt disease 3; Ichthyosis, spastic quadriplegia, and impaired intellectual development. Last evaluated: 2024-03-20. Review status: criteria provided, single submitter. Criteria: ACMG Guidelines, 2015. Collection method: clinical testing. Allele origin: germline.

Blueprint Genetics
Classification: Pathogenic for ELOVL4-related disorders. Last evaluated: 2022-10-25. Review status: criteria provided, single submitter. Criteria: ACMG Guidelines, 2015. Collection method: clinical testing. Allele origin: germline. Affected: yes. Observed: 3 variant alleles.

Genetic Services Laboratory, University of Chicago
Classification: Likely pathogenic for Spinocerebellar ataxia type 34. Last evaluated: 2017-06-06. Review status: criteria provided, single submitter. Criteria: ACMG Guidelines, 2015. Collection method: clinical testing. Allele origin: germline. Affected: yes.

Literature cited by the submitters: PubMed 31750392 (cited by Equipe Genetique des Anomalies du Developpement, Université de Bourgogne and Labcorp Genetics (formerly Invitae), Labcorp); PubMed 28559085 (cited by Labcorp Genetics (formerly Invitae), Labcorp); PubMed 31692161 (cited by Labcorp Genetics (formerly Invitae), Labcorp).

NM_022726.4(ELOVL4):c.512T>C (p.Ile171Thr)

Gene: ELOVL4 (ELOVL fatty acid elongase 4; minus strand). Cytogenetic location: 6q14.1.
Variant type: single nucleotide variant.
Coding change: c.512T>C on transcript NM_022726.4 (MANE Select); coding-DNA position 512, T replaced by C.
Protein change: p.Ile171Thr; replaces isoleucine 171 with threonine.
Molecular consequence: missense variant.
Genome position (GRCh38, 1-based): chr6:79,921,654, A>G on the plus strand (T>C on the coding strand, the complement: ELOVL4 is on the minus strand). VCF-style: chr6-79921654-A-G. GRCh37 (hg19) VCF-style: chr6-80631371-A-G.
Other names: short protein forms I171T.
Identifiers: ClinVar variation 435057 (VCV000435057.25), dbSNP rs1554162301, ClinGen allele CA364656490.